The following is an entry in ClinVar:

NM_001382347.1(MYO5A):c.18C>G (p.Leu6=)

Genes: MYO5A (myosin VA; minus strand), LOC130057090 (ATAC-STARR-seq lymphoblastoid silent region 6447; plus strand). Cytogenetic location: 15q21.2.
Variant type: single nucleotide variant.
Coding change: c.18C>G on transcript NM_001382347.1 (MANE Select); coding-DNA position 18, C replaced by G.
Protein change: p.Leu6=; no amino-acid change (leucine 6 retained).
Molecular consequence: synonymous variant. On other transcripts: 5 prime UTR variant (2).
Genome position (GRCh38, 1-based): chr15:52,528,789, G>C on the plus strand (C>G on the coding strand, the complement: MYO5A is on the minus strand). VCF-style: chr15-52528789-G-C. GRCh37 (hg19) VCF-style: chr15-52820986-G-C.
Other names: c.18C>G, p.Leu6= (NM_000259.3, NM_001142495.2, NM_001411135.1); c.-31C>G (NM_001382348.1, NM_001382349.1).
Identifiers: ClinVar variation 2158069 (VCV002158069.6), dbSNP rs748120877, ClinGen allele CA7569337.

ClinVar aggregate classification (germline): Benign. Review status: criteria provided, single submitter (1 of 4 stars). 2 submissions from 2 submitters: Benign (1). 1 of the submissions does not count toward it. Last evaluated 2023-04-29.

Conditions:
MYO5A-related disorder. Also called: MYO5A-related condition.

Allele frequency attached by ClinVar (database versions not stated): TOPMed 0.00017; gnomAD 0.00020; ExAC 0.00064.
gnomAD v4.1: 177 of 1,499,816 alleles (0.012%); highest among the groups gnomAD compares: Non-Finnish European, 0.0021%; no homozygotes.

Submissions (2):

Labcorp Genetics (formerly Invitae), Labcorp
Classification: Benign. Last evaluated: 2023-04-29. Review status: criteria provided, single submitter. Criteria: Invitae Variant Classification Sherloc (09022015). Collection method: clinical testing. Allele origin: germline.

PreventionGenetics, part of Exact Sciences
Classification: Likely benign for MYO5A-related condition. Last evaluated: 2022-05-17. Review status: no assertion criteria provided. Collection method: clinical testing. Allele origin: germline. Not counted in ClinVar's aggregate classification.
Comment: This variant is classified as likely benign based on ACMG/AMP sequence variant interpretation guidelines (Richards et al. 2015 PMID: 25741868, with internal and published modifications).